The following is an entry in ClinVar:

ClinVar aggregate classification (germline): Uncertain significance. Review status: criteria provided, multiple submitters, no conflicts (2 of 4 stars). 4 submissions from 4 submitters: Uncertain significance (3). 1 of the submissions does not count toward it. Last evaluated 2024-10-24.

Conditions:
CFAP410-related disorder. Also called: CFAP410-related condition.

Allele frequency attached by ClinVar (database versions not stated): TOPMed 0.00033; gnomAD exomes 0.00035 and 0.00068; gnomAD 0.00036 and 0.00037; ExAC 0.00037; 1000 Genomes Project 30x 0.00047; 1000 Genomes Project 0.00060; ESP Exome Variant Server 0.00085.
gnomAD v4.1: 1,031 of 1,609,842 alleles (0.064%); highest among the groups gnomAD compares: Non-Finnish European, 0.084%; no homozygotes.

Submissions (4):

Blueprint Genetics
Classification: Uncertain significance. Last evaluated: 2024-10-24. Review status: criteria provided, single submitter. Criteria: ACMG Guidelines, 2015. Collection method: clinical testing. Allele origin: germline.

Labcorp Genetics (formerly Invitae), Labcorp
Classification: Uncertain significance. Last evaluated: 2022-11-01. Review status: criteria provided, single submitter. Criteria: Invitae Variant Classification Sherloc (09022015). Collection method: clinical testing. Allele origin: germline.
Comment: This sequence change replaces threonine, which is neutral and polar, with isoleucine, which is neutral and non-polar, at codon 182 of the CFAP410 protein (p.Thr182Ile). This variant is present in population databases (rs142691279, gnomAD 0.07%). This variant has not been reported in the literature in individuals affected with CFAP410-related conditions. ClinVar contains an entry for this variant (Variation ID: 849319). Algorithms developed to predict the effect of missense changes on protein structure and function output the following: SIFT: "Tolerated"; PolyPhen-2: "Benign"; Align-GVGD: "Class C0". The isoleucine amino acid residue is found in multiple mammalian species, which suggests that this missense change does not adversely affect protein function. In summary, the available evidence is currently insufficient to determine the role of this variant in disease. Therefore, it has been classified as a Variant of Uncertain Significance.

Breakthrough Genomics
Classification: Uncertain significance. Review status: criteria provided, single submitter. Criteria: ACMG Guidelines, 2015. Collection method: not provided. Allele origin: germline. Inheritance: Autosomal dominant inheritance. Affected: yes.

PreventionGenetics, part of Exact Sciences
Classification: Uncertain significance for CFAP410-related condition. Last evaluated: 2024-09-23. Review status: no assertion criteria provided. Collection method: clinical testing. Allele origin: germline. Not counted in ClinVar's aggregate classification.
Comment: The CFAP410 c.545C>T variant is predicted to result in the amino acid substitution p.Thr182Ile. To our knowledge, this variant has not been reported in the literature. This variant is reported in 0.072% of alleles in individuals of European (Non-Finnish) descent in gnomAD, which may be too common to be an unreported cause of disease. Although we suspect that this variant may be benign, at this time, the clinical significance of this variant is uncertain due to the absence of conclusive functional and genetic evidence.

NM_004928.3(CFAP410):c.545C>T (p.Thr182Ile)

Gene: CFAP410 (cilia and flagella associated protein 410; minus strand). Cytogenetic location: 21q22.3.
Variant type: single nucleotide variant.
Coding change: c.545C>T on transcript NM_004928.3 (MANE Select); coding-DNA position 545, C replaced by T.
Protein change: p.Thr182Ile; replaces threonine 182 with isoleucine.
Molecular consequence: missense variant.
Genome position (GRCh38, 1-based): chr21:44,331,843, G>A on the plus strand (C>T on the coding strand, the complement: CFAP410 is on the minus strand). VCF-style: chr21-44331843-G-A. GRCh37 (hg19) VCF-style: chr21-45751726-G-A.
Other names: c.545C>T, p.Thr182Ile (NM_001271440.2, NM_001271441.2); c.422C>T, p.Thr141Ile (NM_001271442.1); short protein forms T141I, T182I.
Identifiers: ClinVar variation 849319 (VCV000849319.9), dbSNP rs142691279, ClinGen allele CA10053636.